The following is an entry in ClinVar:

NM_007294.4(BRCA1):c.4905G>T (p.Glu1635Asp)

Gene: BRCA1 (BRCA1 DNA repair associated; minus strand). Cytogenetic location: 17q21.31.
Variant type: single nucleotide variant.
Coding change: c.4905G>T on transcript NM_007294.4 (MANE Select); coding-DNA position 4905, G replaced by T.
Protein change: p.Glu1635Asp; replaces glutamic acid 1635 with aspartic acid.
Molecular consequence: missense variant. On other transcripts: non-coding transcript variant (1).
Genome position (GRCh38, 1-based): chr17:43,071,009, C>A on the plus strand (G>T on the coding strand, the complement: BRCA1 is on the minus strand). VCF-style: chr17-43071009-C-A. GRCh37 (hg19) VCF-style: chr17-41223026-C-A.
Other names: c.4902G>T, p.Glu1634Asp (NM_001407610.1, NM_001407611.1, NM_001407612.1 and 17 more transcripts); c.4899G>T, p.Glu1633Asp (NM_001407627.1, NM_001407628.1, NM_001407629.1 and 14 more transcripts); c.4890G>T, p.Glu1630Asp (NM_001407647.1); c.4848G>T, p.Glu1616Asp (NM_001407648.1); c.4845G>T, p.Glu1615Asp (NM_001407649.1); c.4905G>T, p.Glu1635Asp (NM_001407652.1, NM_001407593.1, NM_001407594.1 and 8 more transcripts); c.4827G>T, p.Glu1609Asp (NM_001407653.1, NM_001407654.1, NM_001407655.1); c.4824G>T, p.Glu1608Asp (NM_001407656.1, NM_001407657.1, NM_001407658.1); and 70 more; short protein forms E1635D, E531D, E1656D, E1588D, E1466D, E1508D, E1563D, E1565D.
Identifiers: ClinVar variation 865401 (VCV000865401.3), dbSNP rs2052383010, ClinGen allele CA10591714.

Conditions:
Breast-ovarian cancer, familial, susceptibility to, 1 (BROVCA1). Also called: BRCA1 Hereditary Breast and Ovarian Cancer; OVARIAN CANCER, SUSCEPTIBILITY TO. Identifiers: Orphanet 145, MedGen C2676676, MONDO:0011450, OMIM 604370. Disease mechanism: loss of function.

Submission:

Brotman Baty Institute, University of Washington
No classification provided (evidence only). Condition: Breast-ovarian cancer, familial 1. Review status: no classification provided. Collection method: in vitro. Allele origin: not applicable. Functional consequence: functionally_normal.
ClinVar note: "not provided" was previously submitted as the classification for the variant. However, the classification appeared to be based only on an observation of functional data so it was converted to no classification on 2025-07-30.